The following is an entry in ClinVar:

ClinVar aggregate classification (germline): Uncertain significance (1 of 4 stars; one submission).

gnomAD v4.1: 1 of 1,613,910 alleles (0.000062%); highest among the groups gnomAD compares: Non-Finnish European, 0.000085%; no homozygotes.

Submission:

GeneDx
Classification: Uncertain significance. Last evaluated: 2023-11-28. Review status: criteria provided, single submitter. Criteria: GeneDx Variant Classification Process June 2021. Collection method: clinical testing. Allele origin: germline. Affected: yes.
Comment: Not observed at significant frequency in large population cohorts (gnomAD); In silico analysis supports that this missense variant has a deleterious effect on protein structure/function; Has not been previously published as pathogenic or benign to our knowledge

NM_012309.5(SHANK2):c.2348G>C (p.Arg783Pro)

Gene: SHANK2 (SH3 and multiple ankyrin repeat domains 2; minus strand). Cytogenetic location: 11q13.3.
Variant type: single nucleotide variant.
Coding change: c.2348G>C on transcript NM_012309.5 (MANE Select); coding-DNA position 2348, G replaced by C.
Protein change: p.Arg783Pro; replaces arginine 783 with proline.
Molecular consequence: missense variant. On other transcripts: non-coding transcript variant (1).
Genome position (GRCh38, 1-based): chr11:70,492,426, C>G on the plus strand (G>C on the coding strand, the complement: SHANK2 is on the minus strand). VCF-style: chr11-70492426-C-G. GRCh37 (hg19) VCF-style: chr11-70338531-C-G.
Other names: c.1211G>C, p.Arg404Pro (NM_001379226.1); c.584G>C, p.Arg195Pro (NM_133266.5); short protein forms R195P, R404P, R783P.
Identifiers: ClinVar variation 3365074 (VCV003365074.1).